The following is an entry in ClinVar:

NM_001519.4(BRF1):c.1649del (p.Gly550fs)

Gene: BRF1 (BRF1 general transcription factor IIIB subunit; minus strand). Cytogenetic location: 14q32.33.
Variant type: Deletion.
Coding change: c.1649del on transcript NM_001519.4 (MANE Select); coding-DNA position 1649, one base deleted (G; older notation c.1649delG).
Protein change: p.Gly550fs; shifts the reading frame from glycine 550.
Molecular consequence: frameshift variant.
Genome position (GRCh38, 1-based): chr14:105,217,667, C deleted on the plus strand (G on the coding strand, the reverse complement: BRF1 is on the minus strand); the first of 2 consecutive C bases (chr14:105,217,667-105,217,668); deleting either gives the same sequence. VCF-style (leftmost placement, unchanged base first): chr14-105217666-GC-G. GRCh37 (hg19) VCF-style: chr14-105684003-GC-G.
Other names: c.1370del, p.Gly457fs (NM_001242786.2); c.1304del, p.Gly435fs (NM_001242787.2); c.1568del, p.Gly523fs (NM_001242788.2); c.935del, p.Gly312fs (NM_001242789.2); c.1037del, p.Gly346fs (NM_145685.3); short protein forms G312fs, G523fs, G550fs, G346fs, G435fs, G457fs.
Identifiers: ClinVar variation 2223631 (VCV002223631.2), dbSNP rs1178247951, ClinGen allele CA616574966.
Genomic context (GRCh38, chr14:105,217,666, plus strand): 5'-CAGCTTCCTGGCACTGGCGCTATGCTCGGGCTGTGCATCCTCCCTGTGCGGACTGCCCCC[GC>G]CGGCGCTGCTGAGGCCCCGGAGCACGCTATAATTGATCTTGCTGGAGATCTTCTTCTGCT-3'

ClinVar aggregate classification (germline): Pathogenic (1 of 4 stars; one submission).

Conditions:
Inborn genetic diseases. Identifiers: MedGen C0950123, MeSH D030342.

Submission:

Ambry Genetics
Classification: Pathogenic for Inborn genetic diseases. Last evaluated: 2021-08-03. Review status: criteria provided, single submitter. Criteria: Ambry Variant Classification Scheme 2023. Collection method: clinical testing. Allele origin: germline.
Comment: The c.1649delG (p.G550Afs*36) alteration, located in exon 15 (coding exon 15) of the BRF1 gene, consists of a deletion of one nucleotide at position 1649, causing a translational frameshift with a predicted alternate stop codon after 36 amino acids. This alteration is expected to result in loss of function by premature protein truncation or nonsense-mediated mRNA decay. This mutation was identified in conjunction with a missense variant in an individual with cerebellofaciodental syndrome (Honjo, 2021). Based on the available evidence, this alteration is classified as pathogenic.

Literature cited by the submitters: PubMed 33645901.